The following is an entry in ClinVar:

NM_001134407.3(GRIN2A):c.191C>T (p.Pro64Leu)

Gene: GRIN2A (glutamate ionotropic receptor NMDA type subunit 2A; minus strand). Cytogenetic location: 16p13.2.
Variant type: single nucleotide variant.
Coding change: c.191C>T on transcript NM_001134407.3 (MANE Select); coding-DNA position 191, C replaced by T.
Protein change: p.Pro64Leu; replaces proline 64 with leucine.
Molecular consequence: missense variant.
Genome position (GRCh38, 1-based): chr16:10,180,221, G>A on the plus strand (C>T on the coding strand, the complement: GRIN2A is on the minus strand). VCF-style: chr16-10180221-G-A. GRCh37 (hg19) VCF-style: chr16-10274078-G-A.
Other names: c.191C>T, p.Pro64Leu (NM_000833.5, NM_001134408.2); short protein forms P64L.
Identifiers: ClinVar variation 1691583 (VCV001691583.3), dbSNP rs2142390004, ClinGen allele CA394715545.

ClinVar aggregate classification (germline): Uncertain significance (1 of 4 stars; one submission).

Allele frequency attached by ClinVar (database versions not stated): gnomAD exomes below 0.00001.
gnomAD v4.1: 2 of 1,614,104 alleles (0.00012%); highest among the groups gnomAD compares: African/African-American, 0.0013%; no homozygotes.

Submission:

GeneDx
Classification: Uncertain significance. Last evaluated: 2021-12-08. Review status: criteria provided, single submitter. Criteria: GeneDx Variant Classification Process June 2021. Collection method: clinical testing. Allele origin: germline. Affected: yes.
Comment: Not observed at significant frequency in large population cohorts (gnomAD); In silico analysis supports that this missense variant has a deleterious effect on protein structure/function; Has not been previously published as pathogenic or benign to our knowledge